The following is an entry in ClinVar:

NM_024675.4(PALB2):c.2087C>T (p.Thr696Met)

Gene: PALB2 (partner and localizer of BRCA2; minus strand). Cytogenetic location: 16p12.2.
Variant type: single nucleotide variant.
Coding change: c.2087C>T on transcript NM_024675.4 (MANE Select); coding-DNA position 2087, C replaced by T.
Protein change: p.Thr696Met; replaces threonine 696 with methionine.
Molecular consequence: missense variant.
Genome position (GRCh38, 1-based): chr16:23,630,067, G>A on the plus strand (C>T on the coding strand, the complement: PALB2 is on the minus strand). VCF-style: chr16-23630067-G-A. GRCh37 (hg19) VCF-style: chr16-23641388-G-A.
Other names: short protein forms T696M.
Identifiers: ClinVar variation 136131 (VCV000136131.42), dbSNP rs587780820, ClinGen allele CA170045.

ClinVar aggregate classification (germline): Conflicting classifications of pathogenicity. Review status: criteria provided, conflicting classifications (1 of 4 stars). 14 submissions from 14 submitters: Uncertain significance (10); Likely benign (3). 1 of the submissions does not count toward it. Last evaluated 2026-02-12.

Conditions:
Breast-ovarian cancer, familial, susceptibility to, 5 (BROVCA5). Identifiers: MedGen C5830615, MONDO:0957530, OMIM 620442.
Fanconi anemia complementation group N. Also called: PALB2-Related Fanconi Anemia. Identifiers: Orphanet 84, MedGen C1835817, MONDO:0012565, OMIM 610832. Disease mechanism: loss of function.
Pancreatic cancer, susceptibility to, 3. Identifiers: Orphanet 1333, MedGen C3150547, MONDO:0013236, OMIM 613348.
PALB2-related disorder. Also called: PALB2-related disorders; PALB2-related condition.
Breast and/or ovarian cancer. Identifiers: MedGen CN221562.
Hereditary cancer-predisposing syndrome. Also called: Neoplastic Syndromes, Hereditary; Tumor predisposition; Hereditary Cancer Syndrome; Hereditary neoplastic syndrome. Identifiers: Orphanet 140162, MedGen C0027672, MeSH D009386, MONDO:0015356.
Familial cancer of breast. Also called: hereditary breast carcinoma; Hereditary breast cancer; BREAST CANCER, FAMILIAL. Identifiers: Orphanet 227535, MedGen C0346153, MONDO:0016419, OMIM 114480. Disease mechanism: loss of function.

Allele frequency attached by ClinVar (database versions not stated): ExAC 0.00001; gnomAD 0.00001; gnomAD exomes 0.00001 and 0.00002.

Submissions (14):

Women's Health and Genetics/Laboratory Corporation of America, LabCorp
Classification: Uncertain significance. Last evaluated: 2026-02-12. Review status: criteria provided, single submitter. Criteria: LabCorp Variant Classification Summary - May 2015. Collection method: clinical testing. Allele origin: germline.
Comment: Variant summary: PALB2 c.2087C>T (p.Thr696Met) results in a non-conservative amino acid change in the encoded protein sequence. Algorithms developed to predict the effect of missense changes on protein structure and function are either unavailable or do not agree on the potential impact of this missense change. The variant allele was found at a frequency of 1.6e-05 in 251484 control chromosomes (gnomAD). The available data on variant occurrences in the general population are insufficient to allow any conclusion about variant significance. c.2087C>T has been observed in individuals affected with Breast Cancer (Nguyen-Dumont_2015, Lattimore_2021). These reports do not provide unequivocal conclusions about association of the variant with Breast Cancer. To our knowledge, no experimental evidence demonstrating an impact on protein function has been reported. The following publications have been ascertained in the context of this evaluation (PMID: 33113089, 30287823, 25575445, 36243179). ClinVar contains an entry for this variant (Variation ID: 136131). Based on the evidence outlined above, the variant was classified as uncertain significance.

Center for Genomic Medicine, Rigshospitalet, Copenhagen University Hospital
Classification: Uncertain significance. Last evaluated: 2025-12-29. Review status: criteria provided, single submitter. Criteria: ACMG Guidelines, 2015. Collection method: clinical testing. Allele origin: germline.
Comment: Classification criteria: BP1

Labcorp Genetics (formerly Invitae), Labcorp
Classification: Likely benign for Familial cancer of breast. Last evaluated: 2025-12-01. Review status: criteria provided, single submitter. Criteria: Invitae Variant Classification Sherloc (09022015). Collection method: clinical testing. Allele origin: germline.

Ambry Genetics
Classification: Likely benign for Hereditary cancer-predisposing syndrome. Last evaluated: 2025-03-06. Review status: criteria provided, single submitter. Criteria: Ambry Variant Classification Scheme 2023. Collection method: clinical testing. Allele origin: germline.

PreventionGenetics, part of Exact Sciences
Classification: Uncertain significance for PALB2-related condition. Last evaluated: 2025-01-22. Review status: criteria provided, single submitter. Criteria: ACMG Guidelines, 2015. Collection method: clinical testing. Allele origin: germline.
Comment: The PALB2 c.2087C>T variant is predicted to result in the amino acid substitution p.Thr696Met. This variant has been reported in individuals with breast cancer (Nguyen-Dumont et al. 2015. PubMed ID: 25575445; Supplemental Data 2, Momozawa et al. 2018. PubMed ID: 30287823; Table S5, Decker et al. 2017. PubMed ID: 28779002). It also has been detected in unaffected individuals in male breast cancer, pancreatic cancer and prostate cancer case-control studies (Momozawa et al. 2018. PubMed ID: 30287823; Momozawa et al. 2020. PubMed ID: 31214711; Mizukami et al. 2020. PubMed ID: 32980694). This variant is reported in 0.0087% of alleles in individuals of Latino descent in gnomAD and has conflicting interpretations regarding its pathogenicity in ClinVar, ranging from uncertain significance to likely benign. At this time, the clinical significance of this variant is uncertain due to the absence of conclusive functional and genetic evidence.

Myriad Genetics, Inc.
Classification: Likely benign for Familial cancer of breast. Last evaluated: 2025-01-15. Review status: criteria provided, single submitter. Criteria: Myriad Autosomal Dominant, Autosomal Recessive and X-Linked Classification Criteria (2023). Collection method: clinical testing. Allele origin: unknown.
Comment: This variant is considered likely benign. This variant is strongly associated with less severe personal and family histories of cancer, typical for individuals without pathogenic variants in this gene [PMID: 25085752].

Quest Diagnostics Nichols Institute San Juan Capistrano
Classification: Uncertain significance. Last evaluated: 2025-01-14. Review status: criteria provided, single submitter. Criteria: Quest Diagnostics criteria. Collection method: clinical testing. Allele origin: unknown.
Comment: The PALB2 c.2087C>T (p.Thr696Met) variant has been reported in the published literature in individuals with breast cancer (PMID: 33471991 (2021), 33113089 (2021), 28779002 (2017), 25575445 (2015)) and in reportedly healthy individuals (PMID: 36243179 (2022), 33471991 (2022), 32980694 (2020), 31214711 (2020), 30287823 (2018), 28779002 (2017), see also LOVD). The frequency of this variant in the general population (Genome Aggregation Database) is uninformative in the assessment of its pathogenicity. Analysis of this variant using bioinformatics tools for the prediction of the effect of amino acid changes on protein structure and function yielded conflicting predictions that this variant is benign or damaging. Based on the available information, we are unable to determine the clinical significance of this variant.

Dasa
Classification: Uncertain significance. Last evaluated: 2024-12-14. Review status: criteria provided, single submitter. Criteria: DASA Assertion Criteria. Collection method: clinical testing. Allele origin: germline.
Comment: NM_024675.4(PALB2):c.2087C>T (p.Thr696Met) is a missense variant that results in the substitution of threonine with methionine. This variant is rare in population databases. Computational prediction algorithms are consistent with a benign effect. The currently available literature and clinical evidence are not sufficient to establish a definitive association between this variant and the reported condition. Therefore, this variant is classified as a variant of uncertain significance.

Fulgent Genetics
Classification: Uncertain significance for Fanconi anemia complementation group N; Pancreatic cancer, susceptibility to, 3; Breast-ovarian cancer, familial, susceptibility to, 5. Last evaluated: 2024-04-23. Review status: criteria provided, single submitter. Criteria: ACMG Guidelines, 2015. Collection method: clinical testing. Allele origin: germline.

Baylor Genetics
Classification: Uncertain significance for Familial cancer of breast. Last evaluated: 2024-03-06. Review status: criteria provided, single submitter. Criteria: ACMG Guidelines, 2015. Collection method: clinical testing. Allele origin: unknown.

Color Diagnostics, LLC DBA Color Health
Classification: Uncertain significance for Hereditary cancer-predisposing syndrome. Last evaluated: 2023-10-04. Review status: criteria provided, single submitter. Criteria: ACMG Guidelines, 2015. Collection method: clinical testing. Allele origin: germline.
Comment: This missense variant replaces threonine with methionine at codon 696 of the PALB2 protein. Computational prediction is inconclusive regarding the impact of this variant on protein structure and function (internally defined REVEL score threshold 0.5 < inconclusive < 0.7, PMID: 27666373). To our knowledge, functional studies have not been reported for this variant. This variant has been reported in an individual and a family affected with breast cancer (PMID: 25575445, 33113089) and in breast cancer case-control studies in 1/13824 cases and 0/5488 unaffected individuals (PMID: 28779002) and in 2/60466 cases and 4/53461 unaffected individuals (PMID: 33471991; Leiden Open Variation Database DB-ID PALB2_010449). This variant also has been reported in male breast cancer, pancreatic cancer and prostate cancer case-control studies, in which the variant is only detected in unaffected individuals and not found in cancer cases (PMID: 30287823, 31214711, 32980694). This variant has been identified in 4/251484 chromosomes in the general population by the Genome Aggregation Database (gnomAD). The available evidence is insufficient to determine the role of this variant in disease conclusively. Therefore, this variant is classified as a Variant of Uncertain Significance.

GeneDx
Classification: Uncertain significance. Last evaluated: 2023-05-30. Review status: criteria provided, single submitter. Criteria: GeneDx Variant Classification Process June 2021. Collection method: clinical testing. Allele origin: germline. Affected: yes.
Comment: Not observed at significant frequency in large population cohorts (gnomAD); In silico analysis supports that this missense variant does not alter protein structure/function; Observed in individuals with a personal and/or family history of breast or prostate, as well as in control groups (Nguyen-Dumont et al., 2015; Decker et al., 2017; Momozawa et al, 2018; Matejcic et al., 2020; Lattimore et al., 2021); This variant is associated with the following publications: (PMID: 25575445, 22941656, 32832836, 30287823, 28779002, 33113089, 31214711)

CHEO Genetics Diagnostic Laboratory, Children's Hospital of Eastern Ontario
Classification: Uncertain significance for Breast and/or ovarian cancer. Last evaluated: 2022-09-14. Review status: criteria provided, single submitter. Criteria: ACMG Guidelines, 2015. Collection method: clinical testing. Allele origin: germline.

Leiden Open Variation Database
Classification: Uncertain significance. Last evaluated: 2018-08-25. Review status: no assertion criteria provided. Collection method: curation. Allele origin: germline. Affected: yes. Not counted in ClinVar's aggregate classification.
Comment: Curators: Marc Tischkowitz, Arleen D. Auerbach. Submitter to LOVD: Yukihide Momozawa.

Literature cited by the submitters: PubMed 25575445 (cited by 4 submitters); PubMed 30287823 (cited by 4 submitters); PubMed 33113089 (cited by 4 submitters); PubMed 36243179 (cited by Women's Health and Genetics/Laboratory Corporation of America, LabCorp and Quest Diagnostics Nichols Institute San Juan Capistrano); PubMed 28779002 (cited by 3 submitters); PubMed 31214711 (cited by 3 submitters); PubMed 32832836 (cited by Ambry Genetics); PubMed 25085752 (cited by Myriad Genetics, Inc.); PubMed 33471991 (cited by Quest Diagnostics Nichols Institute San Juan Capistrano and Color Diagnostics, LLC DBA Color Health); PubMed 32980694 (cited by Quest Diagnostics Nichols Institute San Juan Capistrano and Color Diagnostics, LLC DBA Color Health).